The following is an entry in ClinVar:

NM_004924.6(ACTN4):c.25C>G (p.Gln9Glu)

Gene: ACTN4 (actinin alpha 4; plus strand). Cytogenetic location: 19q13.2.
Variant type: single nucleotide variant.
Coding change: c.25C>G on transcript NM_004924.6 (MANE Select); coding-DNA position 25, C replaced by G.
Protein change: p.Gln9Glu; replaces glutamine 9 with glutamic acid.
Molecular consequence: missense variant.
Genome position (GRCh38, 1-based): chr19:38,647,770, C>G. VCF-style: chr19-38647770-C-G. GRCh37 (hg19) VCF-style: chr19-39138410-C-G.
Other names: c.25C>G, p.Gln9Glu (NM_001322033.2); short protein forms Q9E.
Identifiers: ClinVar variation 1491691 (VCV001491691.6), dbSNP rs764029233, ClinGen allele CA9417162.

ClinVar aggregate classification (germline): Uncertain significance (1 of 4 stars; one submission).

Allele frequency attached by ClinVar (database versions not stated): gnomAD exomes 0.00001; TOPMed 0.00001; ExAC 0.00006.
gnomAD v4.1: 8 of 1,552,628 alleles (0.00052%); highest among the groups gnomAD compares: Non-Finnish European, 0.000087%; no homozygotes.

Submission:

Labcorp Genetics (formerly Invitae), Labcorp
Classification: Uncertain significance. Last evaluated: 2021-05-26. Review status: criteria provided, single submitter. Criteria: Invitae Variant Classification Sherloc (09022015). Collection method: clinical testing. Allele origin: germline.
Comment: In summary, the available evidence is currently insufficient to determine the role of this variant in disease. Therefore, it has been classified as a Variant of Uncertain Significance. Algorithms developed to predict the effect of missense changes on protein structure and function are either unavailable or do not agree on the potential impact of this missense change (SIFT: "Not Available"; PolyPhen-2: "Benign"; Align-GVGD: "Not Available"). This variant has not been reported in the literature in individuals with ACTN4-related conditions. This variant is present in population databases (rs764029233, ExAC 0.01%). This sequence change replaces glutamine with glutamic acid at codon 9 of the ACTN4 protein (p.Gln9Glu). The glutamine residue is moderately conserved and there is a small physicochemical difference between glutamine and glutamic acid.